The following is an entry in ClinVar:

ClinVar aggregate classification (germline): Pathogenic (1 of 4 stars; one submission).

Conditions:
Hereditary cancer-predisposing syndrome. Also called: Neoplastic Syndromes, Hereditary; Tumor predisposition; Hereditary Cancer Syndrome; Hereditary neoplastic syndrome. Identifiers: Orphanet 140162, MedGen C0027672, MeSH D009386, MONDO:0015356.

Submission:

Ambry Genetics
Classification: Pathogenic for Hereditary cancer-predisposing syndrome. Last evaluated: 2021-03-26. Review status: criteria provided, single submitter. Criteria: Ambry Variant Classification Scheme 2023. Collection method: clinical testing. Allele origin: germline.
Comment: The c.1869_1902del34 pathogenic mutation, located in coding exon 9 of the BRCA1 gene, results from a deletion of 34 nucleotides at nucleotide positions 1869 to 1902, causing a translational frameshift with a predicted alternate stop codon. This alteration is expected to result in loss of function by premature protein truncation or nonsense-mediated mRNA decay. As such, this alteration is interpreted as a disease-causing mutation.

NM_007294.4(BRCA1):c.1869_1902del (p.Glu624fs)

Gene: BRCA1 (BRCA1 DNA repair associated; minus strand). Cytogenetic location: 17q21.31.
Variant type: Deletion.
Coding change: c.1869_1902del on transcript NM_007294.4 (MANE Select); coding-DNA positions 1869 to 1902, 34 bases deleted.
Protein change: p.Glu624fs; shifts the reading frame from glutamic acid 624.
Molecular consequence: frameshift variant. On other transcripts: intron variant (137).
Genome position (GRCh38, 1-based): chr17:43,093,629-43,093,662, 34 bases deleted; deleting any 34 consecutive bases within chr17:43,093,629-43,093,664 gives the same sequence; the c. name uses the placement nearest the transcript's 3' end. GRCh37 (hg19): chr17:41,245,648-41,245,681.
Other names: c.1725_1758del, p.Glu576fs (NM_001407842.1, NM_001407839.1, NM_001407841.1 and 20 more transcripts); c.1728_1761del, p.Glu577fs (NM_001407751.1, NM_001407752.1, NM_001407692.1 and 29 more transcripts); c.1656_1689del, p.Glu553fs (NM_001407571.1, NM_001407853.1, NM_001407894.1 and 9 more transcripts); c.1869_1902del, p.Glu624fs (NM_001407581.1, NM_001407582.1, NM_001407583.1 and 30 more transcripts); c.1866_1899del, p.Glu623fs (NM_001407587.1, NM_001407590.1, NM_001407591.1 and 22 more transcripts); c.1869_1902del34 (NM_007294.3); c.1860_1893del, p.Glu621fs (NM_001407646.1, NM_001407647.1); c.1746_1779del, p.Glu583fs (NM_001407648.1, NM_001407664.1, NM_001407665.1 and 19 more transcripts); and 41 more; short protein forms E624fs, E577fs, E456fs, E535fs, E553fs, E583fs, E497fs, E513fs.
Identifiers: ClinVar variation 1781609 (VCV001781609.2), dbSNP rs2552196960, ClinGen allele CA2580094107.